The following is an entry in ClinVar:

NM_173791.5(PDZD8):c.894C>G (p.Tyr298Ter)

Gene: PDZD8 (PDZ domain containing 8; minus strand). Cytogenetic location: 10q26.11.
Variant type: single nucleotide variant.
Coding change: c.894C>G on transcript NM_173791.5 (MANE Select); coding-DNA position 894, C replaced by G.
Protein change: p.Tyr298Ter; replaces tyrosine 298 with a stop codon.
Molecular consequence: nonsense.
Genome position (GRCh38, 1-based): chr10:117,341,081, G>C on the plus strand (C>G on the coding strand, the complement: PDZD8 is on the minus strand). VCF-style: chr10-117341081-G-C. GRCh37 (hg19) VCF-style: chr10-119100592-G-C.
Other names: short protein forms Y298*.
Identifiers: ClinVar variation 1703716 (VCV001703716.2), dbSNP rs770780478, ClinGen allele CA378561423.
Genomic context (GRCh38, chr10:117,341,081, plus strand): 5'-AAGTGCCCATTGTTGTATATGGATATGCTCTTCATCTTCTTCAAATCCTTGCAAGGTCTG[G>C]TATGGAAAAAACGGCTTAAACCTGACAAAAGTAAAGATAAGTCTAAATGTCTGAATAATA-3'

ClinVar aggregate classification (germline): Pathogenic. Review status: criteria provided, single submitter (1 of 4 stars). 2 submissions from 2 submitters: Pathogenic (1). 1 of the submissions does not count toward it. Last evaluated 2024-10-04.

Conditions:
Intellectual developmental disorder with autism and dysmorphic facies (IDDADF). Identifiers: MedGen C5774206, MONDO:0859281, OMIM 620021.

Submissions (2):

Dubai Health Genomic Medicine Center, Dubai Health
Classification: Pathogenic for Intellectual developmental disorder with autism and dysmorphic facies. Last evaluated: 2024-10-04. Review status: criteria provided, single submitter. Criteria: ACMG Guidelines, 2015. Collection method: research. Allele origin: germline. Affected: yes.
Comment: PVS1,PP1,PS3

OMIM
Classification: Pathogenic for INTELLECTUAL DEVELOPMENTAL DISORDER WITH AUTISM AND DYSMORPHIC FACIES. Last evaluated: 2022-08-31. Review status: no assertion criteria provided. Collection method: literature only. Allele origin: germline. Not counted in ClinVar's aggregate classification.

Literature cited by the submitters: PubMed 35227461 (cited by OMIM).